The following is an entry in ClinVar:

NM_001024845.3(SLC6A9):c.1502T>C (p.Ile501Thr)

Gene: SLC6A9 (solute carrier family 6 member 9; minus strand). Cytogenetic location: 1p34.1.
Variant type: single nucleotide variant.
Coding change: c.1502T>C on transcript NM_001024845.3 (MANE Select); coding-DNA position 1502, T replaced by C.
Protein change: p.Ile501Thr; replaces isoleucine 501 with threonine.
Molecular consequence: missense variant. On other transcripts: non-coding transcript variant (1).
Genome position (GRCh38, 1-based): chr1:44,000,801, A>G on the plus strand (T>C on the coding strand, the complement: SLC6A9 is on the minus strand). VCF-style: chr1-44000801-A-G. GRCh37 (hg19) VCF-style: chr1-44466473-A-G.
Other names: c.1514T>C, p.Ile505Thr (NM_001261380.2); c.1169T>C, p.Ile390Thr (NM_001328626.2, NM_001328630.2); c.1439T>C, p.Ile480Thr (NM_001328627.1); c.1307T>C, p.Ile436Thr (NM_001328628.1); c.1502T>C, p.Ile501Thr (NM_001328629.1); c.1559T>C, p.Ile520Thr (NM_006934.4); c.1721T>C, p.Ile574Thr (NM_201649.4); short protein forms I390T, I436T, I501T, I505T, I574T, I480T, I520T.
Identifiers: ClinVar variation 5006660 (VCV005006660.2).

ClinVar aggregate classification (germline): Uncertain significance (1 of 4 stars; one submission).

Conditions:
Atypical glycine encephalopathy. Also called: Glycine encephalopathy with normal serum glycine. Identifiers: Orphanet 289863, MedGen C4310943, MONDO:0015010, OMIM 617301.

Submission:

Juno Genomics, Hangzhou Juno Genomics, Inc
Classification: Uncertain significance for Atypical glycine encephalopathy. Review status: criteria provided, single submitter. Criteria: ACMG Guidelines, 2015. Collection method: clinical testing. Allele origin: germline.
Comment: Absent from controls (or at extremely low frequency if recessive) in Genome Aggregation Database.;Missense variant in a gene that has a low rate of benign missense variation.